The following is an entry in ClinVar:

NM_001008212.2(OPTN):c.683A>C (p.His228Pro)

Gene: OPTN (optineurin; plus strand). Cytogenetic location: 10p13.
Variant type: single nucleotide variant.
Coding change: c.683A>C on transcript NM_001008212.2 (MANE Select); coding-DNA position 683, A replaced by C.
Protein change: p.His228Pro; replaces histidine 228 with proline.
Molecular consequence: missense variant.
Genome position (GRCh38, 1-based): chr10:13,118,944, A>C. VCF-style: chr10-13118944-A-C. GRCh37 (hg19) VCF-style: chr10-13160944-A-C.
Other names: c.683A>C, p.His228Pro (NM_001008211.1, NM_001008213.1, NM_021980.4); short protein forms H228P.
Identifiers: ClinVar variation 4785226 (VCV004785226.1).
Genomic context (GRCh38, chr10:13,118,944, plus strand): 5'-ACAGGGCATTGTCTAAATATAGGAGCAGATCTGCAGATGGGGCCAAGAATTACTTCGAAC[A>C]TGAGGAGTTAACTGTGAGCCAGCTCCTGCTGTGCCTAAGGGAAGGGAATCAGAAGGTGGA-3'
Protein context (NP_001008213.1, residues 218-238): SADGAKNYFE[His228Pro]EELTVSQLLL

ClinVar aggregate classification (germline): Uncertain significance (1 of 4 stars; one submission).

Conditions:
Primary open angle glaucoma (POAG). Also called: OPTN-related open angle glaucoma. Identifiers: MedGen C0339573, MONDO:0100553, OMIM 137760.
Amyotrophic lateral sclerosis type 12 (ALS12). Also called: AMYOTROPHIC LATERAL SCLEROSIS 12 WITH OR WITHOUT FRONTOTEMPORAL DEMENTIA. Identifiers: Orphanet 803, MedGen C3150692, MONDO:0013264, OMIM 613435.
Glaucoma 1, open angle, E. Identifiers: MedGen C1842026, MONDO:0007665.

gnomAD v4.1: 1 of 1,614,040 alleles (0.000062%); highest among the groups gnomAD compares: Admixed American, 0.0017%; no homozygotes.

Submission:

Labcorp Genetics (formerly Invitae), Labcorp
Classification: Uncertain significance for Primary open angle glaucoma; Glaucoma 1, open angle, E; Amyotrophic lateral sclerosis type 12. Last evaluated: 2026-01-15. Review status: criteria provided, single submitter. Criteria: Invitae Variant Classification Sherloc (09022015). Collection method: clinical testing. Allele origin: germline.
Comment: This sequence change replaces histidine, which is basic and polar, with proline, which is neutral and non-polar, at codon 228 of the OPTN protein (p.His228Pro). This variant is present in population databases (rs762634819, gnomAD 0.006%). This variant has not been reported in the literature in individuals affected with OPTN-related conditions. Invitae Evidence Modeling of protein sequence and biophysical properties (such as structural, functional, and spatial information, amino acid conservation, physicochemical variation, residue mobility, and thermodynamic stability) indicates that this missense variant is not expected to disrupt OPTN protein function with a negative predictive value of 80%. In summary, the available evidence is currently insufficient to determine the role of this variant in disease. Therefore, it has been classified as a Variant of Uncertain Significance.